The following is an entry in ClinVar:

ClinVar aggregate classification (germline): Uncertain significance (1 of 4 stars; one submission).

Conditions:
Congenital hypogonadotropic hypogonadism. Identifiers: Orphanet 174590, MedGen C3899503, MONDO:0015770.

Submission:

Department of Pediatrics, Asan Medical Center, University of Ulsan College of Medicine
Classification: Uncertain significance for Congenital hypogonadotropic hypogonadism. Last evaluated: 2026-07-19. Review status: criteria provided, single submitter. Criteria: ACMG Guidelines, 2015. Collection method: research. Allele origin: germline. Inheritance: X-linked recessive inheritance. Affected: yes. Observed: 1 hemizygote.
Comment: ACMG/AMP evidence codes: PM2_Supporting, BP4. In silico predictions: CADD 8.373, PolyPhen-2 benign, SIFT tolerated, REVEL 0.12, MutationTaster polymorphism. Not found in gnomAD. Novel variant.

NM_001555.5(IGSF1):c.3003T>G (p.Ile1001Met)

Gene: IGSF1 (immunoglobulin superfamily member 1; minus strand). Cytogenetic location: Xq26.1.
Variant type: single nucleotide variant.
Coding change: c.3003T>G on transcript NM_001555.5 (MANE Select); coding-DNA position 3003, T replaced by G.
Protein change: p.Ile1001Met; replaces isoleucine 1001 with methionine.
Molecular consequence: missense variant.
Genome position (GRCh38, 1-based): chrX:131,275,659, A>C on the plus strand (T>G on the coding strand, the complement: IGSF1 is on the minus strand). VCF-style: chrX-131275659-A-C. GRCh37 (hg19) VCF-style: chrX-130409633-A-C.
Other names: c.3018T>G, p.Ile1006Met (NM_001170961.2, NM_001438811.1, NM_001438814.1); c.2976T>G, p.Ile992Met (NM_001170962.2); c.3003T>G, p.Ile1001Met (NM_001438812.1, NM_001438813.1, NM_001438815.1); short protein forms I1001M, I1006M, I992M.
Identifiers: ClinVar variation 4879455 (VCV004879455.1).